The following is an entry in ClinVar:

ClinVar aggregate classification (germline): Uncertain significance. Review status: criteria provided, multiple submitters, no conflicts (2 of 4 stars). 2 submissions from 2 submitters: Uncertain significance (2). Last evaluated 2024-10-09.

Conditions:
Inborn genetic diseases. Identifiers: MedGen C0950123, MeSH D030342.

Allele frequency attached by ClinVar (database versions not stated): gnomAD 0.00001; gnomAD exomes 0.00002; ExAC 0.00003.
gnomAD v4.1: 35 of 1,607,584 alleles (0.0022%); highest among the groups gnomAD compares: South Asian, 0.0088%; no homozygotes.

Submissions (2):

Ambry Genetics
Classification: Uncertain significance for Inborn genetic diseases. Last evaluated: 2024-10-09. Review status: criteria provided, single submitter. Criteria: Ambry Variant Classification Scheme 2023. Collection method: clinical testing. Allele origin: germline.

Labcorp Genetics (formerly Invitae), Labcorp
Classification: Uncertain significance. Last evaluated: 2021-11-02. Review status: criteria provided, single submitter. Criteria: Invitae Variant Classification Sherloc (09022015). Collection method: clinical testing. Allele origin: germline.
Comment: This sequence change replaces isoleucine, which is neutral and non-polar, with valine, which is neutral and non-polar, at codon 227 of the DRAM2 protein (p.Ile227Val). This variant is present in population databases (rs750492760, gnomAD 0.007%). This variant has not been reported in the literature in individuals affected with DRAM2-related conditions. Algorithms developed to predict the effect of missense changes on protein structure and function (SIFT, PolyPhen-2, Align-GVGD) all suggest that this variant is likely to be tolerated. In summary, the available evidence is currently insufficient to determine the role of this variant in disease. Therefore, it has been classified as a Variant of Uncertain Significance.

NM_001349884.2(DRAM2):c.679A>G (p.Ile227Val)

Gene: DRAM2 (DNA damage regulated autophagy modulator 2; minus strand). Cytogenetic location: 1p13.3.
Variant type: single nucleotide variant.
Coding change: c.679A>G on transcript NM_001349884.2 (MANE Select); coding-DNA position 679, A replaced by G.
Protein change: p.Ile227Val; replaces isoleucine 227 with valine.
Molecular consequence: missense variant. On other transcripts: non-coding transcript variant (8).
Genome position (GRCh38, 1-based): chr1:111,118,819, T>C on the plus strand (A>G on the coding strand, the complement: DRAM2 is on the minus strand). VCF-style: chr1-111118819-T-C. GRCh37 (hg19) VCF-style: chr1-111661441-T-C.
Other names: c.679A>G (NM_178454.4); c.679A>G, p.Ile227Val (NM_001349881.2, NM_001349882.2, NM_001349885.2 and 1 more transcripts); c.409A>G, p.Ile137Val (NM_001349886.2, NM_001349887.2, NM_001349888.2); c.289A>G, p.Ile97Val (NM_001349889.2, NM_001349890.2, NM_001349891.2 and 2 more transcripts); short protein forms I97V, I137V, I227V.
Identifiers: ClinVar variation 1347288 (VCV001347288.7), dbSNP rs750492760, ClinGen allele CA1001764.